The following is an entry in ClinVar:

ClinVar aggregate classification (germline): Uncertain significance (1 of 4 stars; one submission).

Allele frequency attached by ClinVar (database versions not stated): gnomAD exomes 0.00001; gnomAD 0.00003; TOPMed 0.00003; ESP Exome Variant Server 0.00008.
gnomAD v4.1: 17 of 1,614,104 alleles (0.0011%); highest among the groups gnomAD compares: African/African-American, 0.0027%; no homozygotes.

Submission:

Labcorp Genetics (formerly Invitae), Labcorp
Classification: Uncertain significance. Last evaluated: 2022-09-22. Review status: criteria provided, single submitter. Criteria: Invitae Variant Classification Sherloc (09022015). Collection method: clinical testing. Allele origin: germline.
Comment: In summary, the available evidence is currently insufficient to determine the role of this variant in disease. Therefore, it has been classified as a Variant of Uncertain Significance. Advanced modeling of protein sequence and biophysical properties (such as structural, functional, and spatial information, amino acid conservation, physicochemical variation, residue mobility, and thermodynamic stability) performed at Invitae indicates that this missense variant is not expected to disrupt IGF1R protein function. This variant has not been reported in the literature in individuals affected with IGF1R-related conditions. This variant is not present in population databases (gnomAD no frequency). This sequence change replaces isoleucine, which is neutral and non-polar, with valine, which is neutral and non-polar, at codon 441 of the IGF1R protein (p.Ile441Val).

NM_000875.5(IGF1R):c.1321A>G (p.Ile441Val)

Gene: IGF1R (insulin like growth factor 1 receptor; plus strand). Cytogenetic location: 15q26.3.
Variant type: single nucleotide variant.
Coding change: c.1321A>G on transcript NM_000875.5 (MANE Select); coding-DNA position 1321, A replaced by G.
Protein change: p.Ile441Val; replaces isoleucine 441 with valine.
Molecular consequence: missense variant.
Genome position (GRCh38, 1-based): chr15:98,908,758, A>G. VCF-style: chr15-98908758-A-G. GRCh37 (hg19) VCF-style: chr15-99451987-A-G.
Other names: c.1321A>G, p.Ile441Val (NM_001291858.2); short protein forms I441V.
Identifiers: ClinVar variation 1948488 (VCV001948488.5), dbSNP rs368705943, ClinGen allele CA275375899.
Genomic context (GRCh38, chr15:98,908,758, plus strand): 5'-TACGTCCTCGACAACCAGAACTTGCAGCAACTGTGGGACTGGGACCACCGCAACCTGACC[A>G]TCAAAGCAGGGAAAATGTACTTTGCTTTCAATCCCAAATTATGTGTTTCCGAAATTTACC-3'
Protein context (NP_000866.1, residues 431-451): LWDWDHRNLT[Ile441Val]KAGKMYFAFN